The following is an entry in ClinVar:

ClinVar aggregate classification (germline): Uncertain significance. Review status: criteria provided, multiple submitters, no conflicts (2 of 4 stars). 2 submissions from 2 submitters: Uncertain significance (2). Last evaluated 2025-10-22.

Conditions:
Hereditary cancer-predisposing syndrome. Also called: Neoplastic Syndromes, Hereditary; Tumor predisposition; Hereditary Cancer Syndrome; Hereditary neoplastic syndrome. Identifiers: Orphanet 140162, MedGen C0027672, MeSH D009386, MONDO:0015356.
Breast-ovarian cancer, familial, susceptibility to, 4. Identifiers: Orphanet 145, MedGen C3280345, MONDO:0013669, OMIM 614291.

Submissions (2):

Ambry Genetics
Classification: Uncertain significance for Hereditary cancer-predisposing syndrome. Last evaluated: 2025-10-22. Review status: criteria provided, single submitter. Criteria: Ambry Variant Classification Scheme 2023. Collection method: clinical testing. Allele origin: germline.
Comment: The p.R239P variant (also known as c.716G>C), located in coding exon 8 of the RAD51D gene, results from a G to C substitution at nucleotide position 716. The arginine at codon 239 is replaced by proline, an amino acid with dissimilar properties. This amino acid position is well conserved in available vertebrate species. In addition, this alteration is predicted to be deleterious by in silico analysis. Since supporting evidence is limited at this time, the clinical significance of this alteration remains unclear.

Labcorp Genetics (formerly Invitae), Labcorp
Classification: Uncertain significance for Breast-ovarian cancer, familial, susceptibility to, 4. Last evaluated: 2024-01-28. Review status: criteria provided, single submitter. Criteria: Invitae Variant Classification Sherloc (09022015). Collection method: clinical testing. Allele origin: germline.
Comment: This sequence change replaces arginine, which is basic and polar, with proline, which is neutral and non-polar, at codon 239 of the RAD51D protein (p.Arg239Pro). The frequency data for this variant in the population databases is considered unreliable, as metrics indicate poor data quality at this position in the gnomAD database. This variant has not been reported in the literature in individuals affected with RAD51D-related conditions. ClinVar contains an entry for this variant (Variation ID: 1757474). Advanced modeling of protein sequence and biophysical properties (such as structural, functional, and spatial information, amino acid conservation, physicochemical variation, residue mobility, and thermodynamic stability) has been performed at Invitae for this missense variant, however the output from this modeling did not meet the statistical confidence thresholds required to predict the impact of this variant on RAD51D protein function. In summary, the available evidence is currently insufficient to determine the role of this variant in disease. Therefore, it has been classified as a Variant of Uncertain Significance.

NM_002878.4(RAD51D):c.716G>C (p.Arg239Pro)

Genes: RAD51D (RAD51 paralog D; minus strand), RAD51L3-RFFL (RAD51L3-RFFL readthrough; minus strand). Cytogenetic location: 17q12.
Variant type: single nucleotide variant.
Coding change: c.716G>C on transcript NM_002878.4 (MANE Select); coding-DNA position 716, G replaced by C.
Protein change: p.Arg239Pro; replaces arginine 239 with proline.
Molecular consequence: missense variant. On other transcripts: non-coding transcript variant (3).
Genome position (GRCh38, 1-based): chr17:35,103,276, C>G on the plus strand (G>C on the coding strand, the complement: RAD51D is on the minus strand). VCF-style: chr17-35103276-C-G. GRCh37 (hg19) VCF-style: chr17-33430295-C-G.
Other names: c.776G>C, p.Arg259Pro (NM_001142571.2); c.380G>C, p.Arg127Pro (NM_133629.3); short protein forms R259P, R127P, R239P.
Identifiers: ClinVar variation 1757474 (VCV001757474.6), dbSNP rs780921112, ClinGen allele CA8499374.
Genomic context (GRCh38, chr17:35,103,276, plus strand): 5'-CTAGAAATCAAGTTCATTGGCCAAGCCTGCTTCCTCACCACCACTGCCATGCCAAGGTCC[C>G]GGGCCAGGGTCTTCAGCTCTCGGGCCAGCTGCATCATCAAGGCCAAGCCTGCAGGAGGAG-3'
Protein context (NP_002869.3, residues 229-249): QLARELKTLA[Arg239Pro]DLGMAVVVTN